The following is an entry in ClinVar:

NM_024548.4(CEP97):c.1652A>T (p.Asp551Val)

Gene: CEP97 (centrosomal protein 97; plus strand). Cytogenetic location: 3q12.3.
Variant type: single nucleotide variant.
Coding change: c.1652A>T on transcript NM_024548.4 (MANE Select); coding-DNA position 1652, A replaced by T.
Protein change: p.Asp551Val; replaces aspartic acid 551 with valine.
Molecular consequence: missense variant.
Genome position (GRCh38, 1-based): chr3:101,758,258, A>T. VCF-style: chr3-101758258-A-T. GRCh37 (hg19) VCF-style: chr3-101477102-A-T.
Other names: c.1475A>T, p.Asp492Val (NM_001303401.2); c.1550A>T, p.Asp517Val (NM_001410784.1); c.1373A>T, p.Asp458Val (NM_001410785.1); short protein forms D458V, D492V, D517V, D551V.
Identifiers: ClinVar variation 3627898 (VCV003627898.2).

ClinVar aggregate classification (germline): Uncertain significance (1 of 4 stars; one submission).

gnomAD v4.1: 4 of 1,614,232 alleles (0.00025%); highest among the groups gnomAD compares: Non-Finnish European, 0.00034%; no homozygotes.

Submission:

Labcorp Genetics (formerly Invitae), Labcorp
Classification: Uncertain significance. Last evaluated: 2025-02-01. Review status: criteria provided, single submitter. Criteria: Invitae Variant Classification Sherloc (09022015). Collection method: clinical testing. Allele origin: germline.
Comment: This sequence change replaces aspartic acid, which is acidic and polar, with valine, which is neutral and non-polar, at codon 551 of the CEP97 protein (p.Asp551Val). This variant is present in population databases (rs749659600, gnomAD 0.0009%). This variant has not been reported in the literature in individuals affected with CEP97-related conditions. Invitae Evidence Modeling of protein sequence and biophysical properties (such as structural, functional, and spatial information, amino acid conservation, physicochemical variation, residue mobility, and thermodynamic stability) indicates that this missense variant is not expected to disrupt CEP97 protein function with a negative predictive value of 80%. In summary, the available evidence is currently insufficient to determine the role of this variant in disease. Therefore, it has been classified as a Variant of Uncertain Significance.